The following is an entry in ClinVar:

ClinVar aggregate classification (germline): Uncertain significance (1 of 4 stars; one submission).

Allele frequency attached by ClinVar (database versions not stated): gnomAD exomes below 0.00001; gnomAD 0.00001; TOPMed 0.00001.
gnomAD v4.1: 5 of 1,614,026 alleles (0.00031%); highest among the groups gnomAD compares: Admixed American, 0.005%; no homozygotes.

Submission:

Labcorp Genetics (formerly Invitae), Labcorp
Classification: Uncertain significance. Last evaluated: 2024-11-05. Review status: criteria provided, single submitter. Criteria: Invitae Variant Classification Sherloc (09022015). Collection method: clinical testing. Allele origin: germline.
Comment: This sequence change replaces valine, which is neutral and non-polar, with isoleucine, which is neutral and non-polar, at codon 244 of the NSMCE3 protein (p.Val244Ile). This variant is present in population databases (no rsID available, gnomAD 0.004%). This variant has not been reported in the literature in individuals affected with NSMCE3-related conditions. ClinVar contains an entry for this variant (Variation ID: 1354654). Invitae Evidence Modeling of protein sequence and biophysical properties (such as structural, functional, and spatial information, amino acid conservation, physicochemical variation, residue mobility, and thermodynamic stability) indicates that this missense variant is not expected to disrupt NSMCE3 protein function with a negative predictive value of 80%. In summary, the available evidence is currently insufficient to determine the role of this variant in disease. Therefore, it has been classified as a Variant of Uncertain Significance.

NM_138704.4(NSMCE3):c.730G>A (p.Val244Ile)

Genes: ENTREP2 (endosomal transmembrane epsin interactor 2; minus strand), NSMCE3 (NSE3 component of SMC5/6 complex; minus strand). Cytogenetic location: 15q13.1.
Variant type: single nucleotide variant.
Coding change: c.730G>A on transcript NM_138704.4 (MANE Select); coding-DNA position 730, G replaced by A.
Protein change: p.Val244Ile; replaces valine 244 with isoleucine.
Molecular consequence: missense variant. On other transcripts: intron variant (5).
Genome position (GRCh38, 1-based): chr15:29,268,976, C>T on the plus strand (G>A on the coding strand, the complement: NSMCE3 is on the minus strand). VCF-style: chr15-29268976-C-T. GRCh37 (hg19) VCF-style: chr15-29561180-C-T.
Other names: c.-12-16498G>A (NM_001387217.1, NM_001387215.1, NM_001387216.1); c.277-16498G>A (NM_001387214.1, NM_015307.2); short protein forms V244I.
Identifiers: ClinVar variation 1354654 (VCV001354654.6), dbSNP rs1042783692, ClinGen allele CA268359535.
Genomic context (GRCh38, chr15:29,268,976, plus strand): 5'-GAACTTTCATCTTGCTGGTTTCCAGGTTGGTTCGCGGGCCCCACTGGAATTCGTAGTCGA[C>T]GGGGTCGGTGTGGGGTATCCGCCGGTATTCCAGGTAACGCTGTCGCACAAAGTCCTCAGT-3'
Protein context (NP_619649.1, residues 234-254): EYRRIPHTDP[Val244Ile]DYEFQWGPRT